The following is an entry in ClinVar:

ClinVar aggregate classification (germline): Uncertain significance (1 of 4 stars; one submission).

Conditions:
Mendelian susceptibility to mycobacterial diseases due to complete IL12RB1 deficiency. Also called: IL12RB1 DEFICIENCY; Immunodeficiency 30. Identifiers: Orphanet 319552, MedGen C4013949, MONDO:0013955, OMIM 614891.

Submission:

Labcorp Genetics (formerly Invitae), Labcorp
Classification: Uncertain significance for Mendelian susceptibility to mycobacterial diseases due to complete IL12RB1 deficiency. Last evaluated: 2021-05-18. Review status: criteria provided, single submitter. Criteria: Invitae Variant Classification Sherloc (09022015). Collection method: clinical testing. Allele origin: germline.
Comment: Algorithms developed to predict the effect of missense changes on protein structure and function (SIFT, PolyPhen-2, Align-GVGD) all suggest that this variant is likely to be disruptive, but these predictions have not been confirmed by published functional studies and their clinical significance is uncertain. In summary, the available evidence is currently insufficient to determine the role of this variant in disease. Therefore, it has been classified as a Variant of Uncertain Significance. This variant has been observed in individual(s) with clinical features of Mendelian susceptibility to mycobacterial disease (Invitae). In at least one individual the data is consistent with the variant being in trans (on the opposite chromosome) from a pathogenic variant. This variant is not present in population databases (ExAC no frequency). This sequence change replaces proline with serine at codon 584 of the IL12RB1 protein (p.Pro584Ser). The proline residue is highly conserved and there is a moderate physicochemical difference between proline and serine.

NM_005535.3(IL12RB1):c.1750C>T (p.Pro584Ser)

Gene: IL12RB1 (interleukin 12 receptor subunit beta 1; minus strand). Cytogenetic location: 19p13.11.
Variant type: single nucleotide variant.
Coding change: c.1750C>T on transcript NM_005535.3 (MANE Select); coding-DNA position 1750, C replaced by T.
Protein change: p.Pro584Ser; replaces proline 584 with serine.
Molecular consequence: missense variant.
Genome position (GRCh38, 1-based): chr19:18,061,163, G>A on the plus strand (C>T on the coding strand, the complement: IL12RB1 is on the minus strand). VCF-style: chr19-18061163-G-A. GRCh37 (hg19) VCF-style: chr19-18171973-G-A.
Other names: c.1750C>T, p.Pro584Ser (NM_001290023.2); c.1870C>T, p.Pro624Ser (NM_001290024.2); short protein forms P584S, P624S.
Identifiers: ClinVar variation 1360331 (VCV001360331.8), dbSNP rs1011795611, ClinGen allele CA404775731.